The following is an entry in ClinVar:

ClinVar aggregate classification (germline): Pathogenic (1 of 4 stars; one submission).

Conditions:
CHARGE syndrome (CHARGE). Also called: Hittner Hirsch Kreh syndrome; CHARGE ASSOCIATION--COLOBOMA, HEART ANOMALY, CHOANAL ATRESIA, RETARDATION, GENITAL AND EAR ANOMALIES; Coloboma, heart anomaly, choanal atresia, retardation, genital and ear anomalies; CHARGE association; Hall-Hittner syndrome. Identifiers: Orphanet 138, MedGen C0265354, MONDO:0008965.

Submission:

Labcorp Genetics (formerly Invitae), Labcorp
Classification: Pathogenic for CHARGE syndrome. Last evaluated: 2020-06-26. Review status: criteria provided, single submitter. Criteria: Invitae Variant Classification Sherloc (09022015). Collection method: clinical testing. Allele origin: germline.
Comment: This sequence change creates a premature translational stop signal (p.Arg646Lysfs*30) in the CHD7 gene. It is expected to result in an absent or disrupted protein product. This variant is not present in population databases (ExAC no frequency). This variant has not been reported in the literature in individuals with CHD7-related conditions. Loss-of-function variants in CHD7 are known to be pathogenic (PMID: 22461308, 25077900). For these reasons, this variant has been classified as Pathogenic.

Literature cited by the submitters: PubMed 22461308; PubMed 25077900.

NM_017780.4(CHD7):c.1936dup (p.Arg646fs)

Genes: CHD7 (chromodomain helicase DNA binding protein 7; plus strand), LOC126860403 (CDK7 strongly-dependent group 2 enhancer GRCh37_chr8:61693034-61694233; plus strand). Cytogenetic location: 8q12.2.
Variant type: Duplication.
Coding change: c.1936dup on transcript NM_017780.4 (MANE Select); coding-DNA position 1936, one base duplicated (A; older notation c.1936dupA).
Protein change: p.Arg646fs; shifts the reading frame from arginine 646.
Molecular consequence: frameshift variant. On other transcripts: intron variant (1).
Genome position (GRCh38, 1-based): chr8:60,781,270, A duplicated; the last of 4 consecutive A bases (chr8:60,781,267-60,781,270); duplicating any one gives the same sequence. VCF-style (leftmost placement, unchanged base first): chr8-60781266-G-GA. GRCh37 (hg19) VCF-style: chr8-61693825-G-GA.
Other names: c.1716+220dup (NM_001316690.1); short protein forms R646fs.
Identifiers: ClinVar variation 1072327 (VCV001072327.2), dbSNP rs2150669783, ClinGen allele CA2499219363.
Genomic context (GRCh38, chr8:60,781,266, plus strand): 5'-AGATAACCAAGAACTAAATAGGAACTCACTGGATGGGTCCCAAGAAGAAAAAAAGAAAAA[G>GA]AAAAGGTCAAAGGCAAAAAAAGACCCGAAGGAACCGAAAGAACCCAAGGAGAAAAAAGAG-3'